The following is an entry in ClinVar:

NM_015164.4(PLEKHM2):c.911C>T (p.Pro304Leu)

Gene: PLEKHM2 (pleckstrin homology and RUN domain containing M2; plus strand). Cytogenetic location: 1p36.21.
Variant type: single nucleotide variant.
Coding change: c.911C>T on transcript NM_015164.4 (MANE Select); coding-DNA position 911, C replaced by T.
Protein change: p.Pro304Leu; replaces proline 304 with leucine.
Molecular consequence: missense variant.
Genome position (GRCh38, 1-based): chr1:15,725,515, C>T. VCF-style: chr1-15725515-C-T. GRCh37 (hg19) VCF-style: chr1-16052010-C-T.
Other names: short protein forms P304L.
Identifiers: ClinVar variation 1018656 (VCV001018656.8), dbSNP rs1053888190, ClinGen allele CA18297443.

ClinVar aggregate classification (germline): Uncertain significance (1 of 4 stars; one submission).

Allele frequency attached by ClinVar (database versions not stated): gnomAD 0.00001; gnomAD exomes 0.00001; TOPMed 0.00002.
gnomAD v4.1: 43 of 1,573,512 alleles (0.0027%); highest among the groups gnomAD compares: East Asian, 0.019%; 1 homozygote.

Submission:

Labcorp Genetics (formerly Invitae), Labcorp
Classification: Uncertain significance. Last evaluated: 2025-10-27. Review status: criteria provided, single submitter. Criteria: Invitae Variant Classification Sherloc (09022015). Collection method: clinical testing. Allele origin: germline.
Comment: This sequence change replaces proline, which is neutral and non-polar, with leucine, which is neutral and non-polar, at codon 304 of the PLEKHM2 protein (p.Pro304Leu). The frequency data for this variant in the population databases is considered unreliable, as metrics indicate poor data quality at this position in the gnomAD database. This variant has not been reported in the literature in individuals affected with PLEKHM2-related conditions. ClinVar contains an entry for this variant (Variation ID: 1018656). An algorithm developed to predict the effect of missense changes on protein structure and function outputs the following: PolyPhen-2: "Benign". The leucine amino acid residue is found in multiple mammalian species, which suggests that this missense change does not adversely affect protein function. In summary, the available evidence is currently insufficient to determine the role of this variant in disease. Therefore, it has been classified as a Variant of Uncertain Significance.